The following is an entry in ClinVar:

NM_000218.3(KCNQ1):c.1393+24489C>T

Genes: KCNQ1 (potassium voltage-gated channel subfamily Q member 1; plus strand), KCNQ1OT1 (KCNQ1 opposite strand/antisense transcript 1; minus strand). Cytogenetic location: 11p15.5.
Variant type: single nucleotide variant.
Coding change: c.1393+24489C>T on transcript NM_000218.3 (MANE Select); 24489 bases into the intron after coding-DNA position 1393, C replaced by T.
Molecular consequence: intron variant.
Genome position (GRCh38, 1-based): chr11:2,613,343, C>T. VCF-style: chr11-2613343-C-T. GRCh37 (hg19) VCF-style: chr11-2634573-C-T.
Other names: c.1123+24489C>T (NM_001406837.1); c.1297+24489C>T (NM_001406836.1); c.853+24489C>T (NM_001406838.1); c.1012+24489C>T (NM_181798.2).
Identifiers: ClinVar variation 1711273 (VCV001711273.30), dbSNP rs151143862, ClinGen allele CA216358198.
Genomic context (GRCh38, chr11:2,613,343, plus strand): 5'-CATGTACAACTTCCATATCTCCAGAATTCCTTTTAAAATTTTTCTTAATCTGTCGCTTGC[C>T]CAACCAGTATTGAAACATTAGGTTGCTGTGATGTGGGTTGCCTCCAATTATTTGCCACTG-3'

ClinVar aggregate classification (germline): Benign (1 of 4 stars; one submission).

Allele frequency attached by ClinVar (database versions not stated): 1000 Genomes Project 30x 0.00297; 1000 Genomes Project 0.00300; TOPMed 0.00756; gnomAD 0.00805; gnomAD exomes 0.01029.
gnomAD v4.1: 3,749 of 398,524 alleles (0.94%); highest among the groups gnomAD compares: Non-Finnish European, 1.2%; 20 homozygotes.

Submission:

CeGaT Center for Human Genetics Tuebingen
Classification: Benign. Last evaluated: 2026-09-01. Review status: criteria provided, single submitter. Criteria: CeGaT Center For Human Genetics Tuebingen Variant Classification Criteria Version 2. Collection method: clinical testing. Allele origin: germline. Affected: yes. Observed: 42 variant alleles.
Comment: KCNQ1OT1: BS1, BS2